The following is an entry in ClinVar:

NM_000093.5(COL5A1):c.2331+3G>C

Gene: COL5A1 (collagen type V alpha 1 chain; plus strand). Cytogenetic location: 9q34.3.
Variant type: single nucleotide variant.
Coding change: c.2331+3G>C on transcript NM_000093.5 (MANE Select); 3 bases into the intron after coding-DNA position 2331, G replaced by C.
Molecular consequence: intron variant.
Genome position (GRCh38, 1-based): chr9:134,772,837, G>C. VCF-style: chr9-134772837-G-C. GRCh37 (hg19) VCF-style: chr9-137664683-G-C.
Other names: c.2331+3G>C (NM_001278074.1).
Identifiers: ClinVar variation 1709840 (VCV001709840.2), dbSNP rs1287962990, ClinGen allele CA591111380.
Genomic context (GRCh38, chr9:134,772,837, plus strand): 5'-TCTTTTGTGACAGGGACACCCTGGCAAAGAAGGCCCTCCAGGAGAGAAAGGAGGTCAGGT[G>C]GGTGCTCGCCACGCCCTCCTACCCTTCAGCATCCAGGTGGGGCGGGTCCAGGTGCTCTGG-3'

ClinVar aggregate classification (germline): Uncertain significance (1 of 4 stars; one submission).

Conditions:
Ehlers-Danlos syndrome, classic type, 1 (EDSCL1). Also called: EDS I; Ehlers-Danlos syndrome, type 1; EHLERS-DANLOS SYNDROME, GRAVIS TYPE; EHLERS-DANLOS SYNDROME, SEVERE CLASSIC TYPE; Ehlers-Danlos Syndrome, Classic Type, COL5A1-Related. Identifiers: MedGen C0268335, MONDO:0019567, OMIM 130000.

gnomAD v4.1: 1 of 1,613,774 alleles (0.000062%); highest among the groups gnomAD compares: South Asian, 0.0011%; no homozygotes.

Submission:

MGZ Medical Genetics Center
Classification: Uncertain significance for Ehlers-Danlos syndrome, classic type, 1. Last evaluated: 2021-06-25. Review status: criteria provided, single submitter. Criteria: ACMG Guidelines, 2015. Collection method: clinical testing. Allele origin: germline. Affected: yes. Observed: 1 variant allele.
Comment: ACMG criteria applied: PM2_SUP, PP3